The following is an entry in ClinVar:

ClinVar aggregate classification (germline): Uncertain significance (1 of 4 stars; one submission).

Conditions:
Renal cell carcinoma. Identifiers: Orphanet 217071, MedGen C0007134, MeSH D002292, MONDO:0005086, HP:0005584.

Submission:

Labcorp Genetics (formerly Invitae), Labcorp
Classification: Uncertain significance for Renal cell carcinoma. Last evaluated: 2023-03-01. Review status: criteria provided, single submitter. Criteria: Invitae Variant Classification Sherloc (09022015). Collection method: clinical testing. Allele origin: germline.
Comment: In summary, the available evidence is currently insufficient to determine the role of this variant in disease. Therefore, it has been classified as a Variant of Uncertain Significance. An algorithm developed to predict the effect of missense changes on protein structure and function (PolyPhen-2) suggests that this variant is likely to be disruptive. This variant has not been reported in the literature in individuals affected with MET-related conditions. This variant is not present in population databases (gnomAD no frequency). This sequence change replaces glutamic acid, which is acidic and polar, with alanine, which is neutral and non-polar, at codon 1027 of the MET protein (p.Glu1027Ala).

NM_000245.4(MET):c.3026A>C (p.Glu1009Ala)

Gene: MET (MET proto-oncogene, receptor tyrosine kinase; plus strand). Cytogenetic location: 7q31.2.
Variant type: single nucleotide variant.
Coding change: c.3026A>C on transcript NM_000245.4 (MANE Select); coding-DNA position 3026, A replaced by C.
Protein change: p.Glu1009Ala; replaces glutamic acid 1009 with alanine.
Molecular consequence: missense variant.
Genome position (GRCh38, 1-based): chr7:116,771,987, A>C. VCF-style: chr7-116771987-A-C. GRCh37 (hg19) VCF-style: chr7-116412041-A-C.
Other names: c.3080A>C, p.Glu1027Ala (NM_001127500.3); c.1736A>C, p.Glu579Ala (NM_001324402.2); short protein forms E1027A, E1009A, E579A.
Identifiers: ClinVar variation 2841668 (VCV002841668.3), dbSNP rs2116997966, ClinGen allele CA368987513.